The following is an entry in ClinVar:

ClinVar aggregate classification (germline): Uncertain significance (1 of 4 stars; one submission).

Conditions:
X-linked agammaglobulinemia with growth hormone deficiency (IGHD3). Also called: AGAMMAGLOBULINEMIA AND ISOLATED GROWTH HORMONE DEFICIENCY, X-LINKED; FLEISHER SYNDROME; ISOLATED GROWTH HORMONE DEFICIENCY, TYPE III, WITH AGAMMAGLOBULINEMIA; Isolated growth hormone deficiency type 3; Growth hormone deficiency with hypogammaglobulinemia; HYPOGAMMAGLOBULINEMIA AND ISOLATED GROWTH HORMONE DEFICIENCY, X-LINKED. Identifiers: Orphanet 231692, Orphanet 631, MedGen C0472813, MONDO:0010615, OMIM 307200.

gnomAD v4.1: 2 of 1,209,359 alleles (0.00017%); highest among the groups gnomAD compares: Non-Finnish European, 0.00022%; no homozygotes.

Submission:

Labcorp Genetics (formerly Invitae), Labcorp
Classification: Uncertain significance for X-linked agammaglobulinemia with growth hormone deficiency. Last evaluated: 2026-01-12. Review status: criteria provided, single submitter. Criteria: Invitae Variant Classification Sherloc (09022015). Collection method: clinical testing. Allele origin: germline.
Comment: This sequence change replaces glycine, which is neutral and non-polar, with arginine, which is basic and polar, at codon 393 of the BTK protein (p.Gly393Arg). This variant also falls at the last nucleotide of exon 13, which is part of the consensus splice site for this exon. This variant is not present in population databases (gnomAD no frequency). This variant has not been reported in the literature in individuals affected with BTK-related conditions. Invitae Evidence Modeling of protein sequence and biophysical properties (such as structural, functional, and spatial information, amino acid conservation, physicochemical variation, residue mobility, and thermodynamic stability) has been performed for this missense variant. However, the output from this modeling did not meet the statistical confidence thresholds required to predict the impact of this variant on BTK protein function. Variants that disrupt the consensus splice site are a relatively common cause of aberrant splicing (PMID: 17576681, 9536098). Algorithms developed to predict the effect of sequence changes on RNA splicing suggest that this variant may disrupt the consensus splice site. In summary, the available evidence is currently insufficient to determine the role of this variant in disease. Therefore, it has been classified as a Variant of Uncertain Significance.

Literature cited by the submitters: PubMed 17576681; PubMed 9536098.

NM_000061.3(BTK):c.1177G>A (p.Gly393Arg)

Gene: BTK (Bruton tyrosine kinase; minus strand). Cytogenetic location: Xq22.1.
Variant type: single nucleotide variant.
Coding change: c.1177G>A on transcript NM_000061.3 (MANE Select); coding-DNA position 1177, G replaced by A.
Protein change: p.Gly393Arg; replaces glycine 393 with arginine.
Molecular consequence: missense variant. On other transcripts: intron variant (1).
Genome position (GRCh38, 1-based): chrX:101,357,509, C>T on the plus strand (G>A on the coding strand, the complement: BTK is on the minus strand). VCF-style: chrX-101357509-C-T. GRCh37 (hg19) VCF-style: chrX-100612497-C-T.
Other names: c.1279G>A, p.Gly427Arg (NM_001287344.2); c.1038+865G>A (NM_001287345.2); short protein forms G427R, G393R.
Identifiers: ClinVar variation 4772401 (VCV004772401.1).